The following is an entry in ClinVar:

ClinVar aggregate classification (germline): Likely benign (1 of 4 stars; one submission).

Submission:

CeGaT Center for Human Genetics Tuebingen
Classification: Likely benign. Last evaluated: 2022-04-01. Review status: criteria provided, single submitter. Criteria: CeGaT Center For Human Genetics Tuebingen Variant Classification Criteria Version 2. Collection method: clinical testing. Allele origin: germline. Affected: yes. Observed: 1 variant allele.
Comment: SLC6A2: PM2:Supporting, BP4, BP7

NM_001172501.3(SLC6A2):c.407-65C>T

Gene: SLC6A2 (solute carrier family 6 member 2; plus strand). Cytogenetic location: 16q12.2.
Variant type: single nucleotide variant.
Coding change: c.407-65C>T on transcript NM_001172501.3 (MANE Select); 65 bases into the intron before coding-DNA position 407, C replaced by T.
Molecular consequence: intron variant. On other transcripts: synonymous variant (1).
Genome position (GRCh38, 1-based): chr16:55,671,873, C>T. VCF-style: chr16-55671873-C-T. GRCh37 (hg19) VCF-style: chr16-55705785-C-T.
Other names: c.27C>T, p.Thr9= (NM_001172502.1); c.407-65C>T (NM_001043.3, NM_001172504.1).
Identifiers: ClinVar variation 2646538 (VCV002646538.24), dbSNP rs2543730656, ClinGen allele CA2541996695.